The following is an entry in ClinVar:

ClinVar aggregate classification (germline): Uncertain significance. Review status: criteria provided, multiple submitters, no conflicts (2 of 4 stars). 8 submissions from 8 submitters: Uncertain significance (8). Last evaluated 2025-07-31.

Conditions:
Hereditary cancer-predisposing syndrome. Also called: Tumor predisposition; Hereditary Cancer Syndrome; Neoplastic Syndromes, Hereditary; Hereditary neoplastic syndrome. Identifiers: Orphanet 140162, MedGen C0027672, MeSH D009386, MONDO:0015356.
Familial adenomatous polyposis 2. Also called: MYH-associated polyposis; FAP type 2; ADENOMAS, MULTIPLE COLORECTAL, AUTOSOMAL RECESSIVE; MUTYH Polyposis; MUTYH-associated polyposis; MUTYH-related attenuated familial adenomatous polyposis. Identifiers: Orphanet 220460, Orphanet 247798, MedGen C3272841, MONDO:0012041, OMIM 608456.

Allele frequency attached by ClinVar (database versions not stated): gnomAD exomes below 0.00001; gnomAD 0.00001; TOPMed 0.00002.
gnomAD v4.1: 11 of 1,614,082 alleles (0.00068%); highest among the groups gnomAD compares: African/African-American, 0.0027%; no homozygotes.

Submissions (8):

Ambry Genetics
Classification: Uncertain significance for Hereditary cancer-predisposing syndrome. Last evaluated: 2025-07-31. Review status: criteria provided, single submitter. Criteria: Ambry Variant Classification Scheme 2023. Collection method: clinical testing. Allele origin: germline.
Comment: The c.576G>A variant (also known as p.K192K), located in coding exon 7 of the MUTYH gene, results from a G to A substitution at nucleotide position 576. This nucleotide substitution does not change the lysine at codon 192. However, this change occurs in the last base pair of coding exon 7, which makes it likely to have some effect on normal mRNA splicing. This alteration was identified in a breast cancer cohort (Tung N et al. Cancer, 2015 Jan;121:25-33). This nucleotide position is highly conserved in available vertebrate species. In silico splice site analysis for this alteration is inconclusive and direct evidence is insufficient at this time (Ambry internal data). Based on the available evidence, the clinical significance of this variant remains unclear.

Labcorp Genetics (formerly Invitae), Labcorp
Classification: Uncertain significance for Familial adenomatous polyposis 2. Last evaluated: 2025-05-27. Review status: criteria provided, single submitter. Criteria: Invitae Variant Classification Sherloc (09022015). Collection method: clinical testing. Allele origin: germline.
Comment: This sequence change affects codon 192 of the MUTYH mRNA. It is a 'silent' change, meaning that it does not change the encoded amino acid sequence of the MUTYH protein. This variant also falls at the last nucleotide of exon 7, which is part of the consensus splice site for this exon. This variant is present in population databases (no rsID available, gnomAD 0.008%). This variant has been observed in individual(s) with breast cancer (PMID: 25186627). ClinVar contains an entry for this variant (Variation ID: 232945). Variants that disrupt the consensus splice site are a relatively common cause of aberrant splicing (PMID: 17576681, 9536098). Studies have shown that this variant is associated with inconclusive levels of altered splicing (internal data). In summary, the available evidence is currently insufficient to determine the role of this variant in disease. Therefore, it has been classified as a Variant of Uncertain Significance.

Women's Health and Genetics/Laboratory Corporation of America, LabCorp
Classification: Uncertain significance. Last evaluated: 2025-02-10. Review status: criteria provided, single submitter. Criteria: LabCorp Variant Classification Summary - May 2015. Collection method: clinical testing. Allele origin: germline.
Comment: Variant summary: MUTYH c.576G>A (p.Lys192Lys) alters a conserved nucleotide located close to a canonical splice site and therefore could affect mRNA splicing, leading to a significantly altered protein sequence. Several computational tools predict a significant impact on normal splicing: Three predict the variant weakens a 5' donor site. However, these predictions have yet to be confirmed by functional studies. The variant allele was found at a frequency of 4e-06 in 251488 control chromosomes. The available data on variant occurrences in the general population are insufficient to allow any conclusion about variant significance. c.576G>A has been reported in the literature in at least one individual affected with breast cancer without evidence of causality (e.g. Tung_2015). These report(s) do not provide unequivocal conclusions about association of the variant with MUTYH-Associated Polyposis. To our knowledge, no experimental evidence demonstrating an impact on protein function has been reported. The following publication has been ascertained in the context of this evaluation (PMID: 25186627). ClinVar contains an entry for this variant (Variation ID: 232945). Based on the evidence outlined above, the variant was classified as uncertain significance.

All of Us Research Program, National Institutes of Health
Classification: Uncertain significance for Familial adenomatous polyposis 2. Last evaluated: 2023-12-13. Review status: criteria provided, single submitter. Criteria: ACMG Guidelines, 2015. Collection method: clinical testing. Allele origin: germline. Inheritance: Autosomal recessive inheritance. Observed: 3 variant alleles, 3 heterozygotes.
Comment: This synonymous variant alters the last conserved c.G nucleotide of exon 7 and is predicted to affect splicing. To our knowledge, RNA studies have not been reported for this variant. This variant has been reported in an individual affected with breast cancer (PMID: 25186627) but has not been reported in individuals affected with polyposis or colorectal cancer in the literature. This variant has been identified in 2/282866 chromosomes in the general population by the Genome Aggregation Database (gnomAD). The available evidence is insufficient to determine the role of this variant in disease conclusively. Therefore, this variant is classified as a Variant of Uncertain Significance.

This study involves interpretation of variants in research participants for the purpose of population health screening. Participant phenotype was not available at the time of variant classification. Additional details can be found in publication PMID: 35346344, PMCID: PMC8962531

Color Diagnostics, LLC DBA Color Health
Classification: Uncertain significance for Hereditary cancer-predisposing syndrome. Last evaluated: 2023-03-01. Review status: criteria provided, single submitter. Criteria: ACMG Guidelines, 2015. Collection method: clinical testing. Allele origin: germline.
Comment: This synonymous variant alters the last conserved c.G nucleotide of exon 7 and is predicted to affect splicing. To our knowledge, RNA studies have not been reported for this variant. This variant has been reported in an individual affected with breast cancer (PMID: 25186627) but has not been reported in individuals affected with polyposis or colorectal cancer in the literature. This variant has been identified in 2/282866 chromosomes in the general population by the Genome Aggregation Database (gnomAD). The available evidence is insufficient to determine the role of this variant in disease conclusively. Therefore, this variant is classified as a Variant of Uncertain Significance.

Sema4
Classification: Uncertain significance for Hereditary cancer-predisposing syndrome. Last evaluated: 2022-02-15. Review status: criteria provided, single submitter. Criteria: Sema4 Curation Guidelines. Collection method: curation. Allele origin: germline.
Comment: The MUTYH c.576G>A (p.K192=) variant has been reported in heterozygosity in at least one individual with breast cancer (PMID: 25186627). It was observed in 2/24960 chromosomes of the African/African American subpopulation in the large and broad cohorts of the Genome Aggregation Database (PMID: 32461654). The variant has been reported in ClinVar (Variation ID: 232945). This variant is the last nucleotide of exon 7 and in silico tools suggest that it may impact splicing, though these predictions have not been confirmed by functional studies. The evidence is insufficient to meet ACMG/AMP criteria for classifying the variant as benign or pathogenic. Thus, the clinical significance of this variant is currently uncertain.

GeneDx
Classification: Uncertain significance. Last evaluated: 2020-02-18. Review status: criteria provided, single submitter. Criteria: GeneDx Variant Classification Process June 2021. Collection method: clinical testing. Allele origin: germline. Affected: yes.
Comment: Not observed at a significant frequency in large population cohorts (Lek 2016); In silico analysis supports that this variant does not alter splicing; Has not been previously published as pathogenic or benign to our knowledge

Illumina Laboratory Services, Illumina
Classification: Uncertain significance for Familial adenomatous polyposis 2. Last evaluated: 2018-01-13. Review status: criteria provided, single submitter. Criteria: ICSL Variant Classification Criteria 13 December 2019. Collection method: clinical testing. Allele origin: germline.

Literature cited by the submitters: PubMed 25186627 (cited by 6 submitters); PubMed 17576681 (cited by Labcorp Genetics (formerly Invitae), Labcorp); PubMed 9536098 (cited by Labcorp Genetics (formerly Invitae), Labcorp).

NM_001048174.2(MUTYH):c.492G>A (p.Lys164=)

Gene: MUTYH (mutY DNA glycosylase; minus strand). Cytogenetic location: 1p34.1.
Variant type: single nucleotide variant.
Coding change: c.492G>A on transcript NM_001048174.2 (MANE Select); coding-DNA position 492, G replaced by A.
Protein change: p.Lys164=; no amino-acid change (lysine 164 retained).
Molecular consequence: synonymous variant. On other transcripts: non-coding transcript variant (2).
Genome position (GRCh38, 1-based): chr1:45,332,763, C>T on the plus strand (G>A on the coding strand, the complement: MUTYH is on the minus strand). VCF-style: chr1-45332763-C-T. GRCh37 (hg19) VCF-style: chr1-45798435-C-T.
Other names: c.492G>A, p.Lys164= (NM_001048171.2, NM_001048173.2, NM_001293195.2); c.495G>A, p.Lys165= (NM_001048172.2); c.576G>A, p.Lys192= (NM_001128425.2); c.537G>A, p.Lys179= (NM_001293190.2); c.525G>A, p.Lys175= (NM_001293191.2); c.216G>A, p.Lys72= (NM_001293192.2, NM_001293196.2); c.147G>A, p.Lys49= (NM_001350650.2, NM_001350651.2); c.567G>A, p.Lys189= (NM_012222.3).
Identifiers: ClinVar variation 232945 (VCV000232945.33), dbSNP rs876660092, ClinGen allele CA10577729.